The following is an entry in ClinVar:

ClinVar aggregate classification (germline): Uncertain significance (1 of 4 stars; one submission).

Submission:

Women's Health and Genetics/Laboratory Corporation of America, LabCorp
Classification: Uncertain significance. Last evaluated: 2025-07-10. Review status: criteria provided, single submitter. Criteria: LabCorp Variant Classification Summary - May 2015. Collection method: clinical testing. Allele origin: germline.
Comment: Variant summary: DLL1 c.305C>G (p.Ser102Cys) results in a non-conservative amino acid change in the encoded protein sequence. Algorithms developed to predict the effect of missense changes on protein structure and function are either unavailable or do not agree on the potential impact of this missense change. The variant was absent in 130412 control chromosomes. The available data on variant occurrences in the general population are insufficient to allow any conclusion about variant significance. To our knowledge, no occurrence of c.305C>G in individuals affected with Neurodevelopmental Disorder With Nonspecific Brain Abnormalities And With Or Without Seizures and no experimental evidence demonstrating its impact on protein function have been reported. No submitters have cited clinical-significance assessments for this variant to ClinVar. Based on the evidence outlined above, the variant was classified as uncertain significance.

NM_005618.4(DLL1):c.305C>G (p.Ser102Cys)

Gene: DLL1 (delta like canonical Notch ligand 1; minus strand). Cytogenetic location: 6q27.
Variant type: single nucleotide variant.
Coding change: c.305C>G on transcript NM_005618.4 (MANE Select); coding-DNA position 305, C replaced by G.
Protein change: p.Ser102Cys; replaces serine 102 with cysteine.
Molecular consequence: missense variant.
Genome position (GRCh38, 1-based): chr6:170,289,558, G>C on the plus strand (C>G on the coding strand, the complement: DLL1 is on the minus strand). VCF-style: chr6-170289558-G-C. GRCh37 (hg19) VCF-style: chr6-170598646-G-C.
Other names: short protein forms S102C.
Identifiers: ClinVar variation 4525986 (VCV004525986.1).